The following is an entry in ClinVar:

ClinVar aggregate classification (germline): Uncertain significance. Review status: criteria provided, multiple submitters, no conflicts (2 of 4 stars). 2 submissions from 2 submitters: Uncertain significance (2). Last evaluated 2024-06-19.

Conditions:
Malignant hyperthermia, susceptibility to, 5 (MHS5). Also called: CACNA1S-Related Malignant Hyperthermia Susceptibility. Identifiers: Orphanet 423, MedGen C1866077, MONDO:0011163, OMIM 601887.
Hypokalemic periodic paralysis, type 1. Also called: HypoPP; Hypokalemic Periodic Paralysis Type 1 (AD). Identifiers: Orphanet 681, MedGen C3714580, MONDO:0042979, OMIM 170400.

gnomAD v4.1: 1 of 1,614,052 alleles (0.000062%); highest among the groups gnomAD compares: Non-Finnish European, 0.000085%; no homozygotes.

Submissions (2):

Labcorp Genetics (formerly Invitae), Labcorp
Classification: Uncertain significance for Hypokalemic periodic paralysis, type 1; Malignant hyperthermia, susceptibility to, 5. Last evaluated: 2024-06-19. Review status: criteria provided, single submitter. Criteria: Invitae Variant Classification Sherloc (09022015). Collection method: clinical testing. Allele origin: germline.
Comment: This sequence change replaces arginine, which is basic and polar, with serine, which is neutral and polar, at codon 498 of the CACNA1S protein (p.Arg498Ser). This variant is not present in population databases (gnomAD no frequency). This variant has not been reported in the literature in individuals affected with CACNA1S-related conditions. Advanced modeling of protein sequence and biophysical properties (such as structural, functional, and spatial information, amino acid conservation, physicochemical variation, residue mobility, and thermodynamic stability) performed at Invitae indicates that this missense variant is expected to disrupt CACNA1S protein function with a positive predictive value of 80%. Algorithms developed to predict the effect of sequence changes on RNA splicing suggest that this variant may create or strengthen a splice site. In summary, the available evidence is currently insufficient to determine the role of this variant in disease. Therefore, it has been classified as a Variant of Uncertain Significance.

All of Us Research Program, National Institutes of Health
Classification: Uncertain significance for Malignant hyperthermia, susceptibility to, 5. Last evaluated: 2023-06-26. Review status: criteria provided, single submitter. Criteria: ACMG Guidelines, 2015. Collection method: clinical testing. Allele origin: germline. Inheritance: Autosomal dominant inheritance. Observed: 2 variant alleles, 2 heterozygotes.
Comment: This missense variant replaces arginine with serine at codon 498 of the CACNA1S protein. Computational prediction suggests that this variant may have deleterious impact on protein structure and function (internally defined REVEL score threshold >= 0.7, PMID: 27666373). To our knowledge, functional studies have not been reported for this variant. This variant has not been reported in individuals affected with CACNA1S-related disorders in the literature. This variant has not been identified in the general population by the Genome Aggregation Database (gnomAD). The available evidence is insufficient to determine the role of this variant in disease conclusively. Therefore, this variant is classified as a Variant of Uncertain Significance.

This study involves interpretation of variants in research participants for the purpose of population health screening. Participant phenotype was not available at the time of variant classification. Additional details can be found in publication PMID: 35346344, PMCID: PMC8962531

NM_000069.3(CACNA1S):c.1492C>A (p.Arg498Ser)

Gene: CACNA1S (calcium voltage-gated channel subunit alpha1 S; minus strand). Cytogenetic location: 1q32.1.
Variant type: single nucleotide variant.
Coding change: c.1492C>A on transcript NM_000069.3 (MANE Select); coding-DNA position 1492, C replaced by A.
Protein change: p.Arg498Ser; replaces arginine 498 with serine.
Molecular consequence: missense variant.
Genome position (GRCh38, 1-based): chr1:201,078,006, G>T on the plus strand (C>A on the coding strand, the complement: CACNA1S is on the minus strand). VCF-style: chr1-201078006-G-T. GRCh37 (hg19) VCF-style: chr1-201047134-G-T.
Other names: short protein forms R498S.
Identifiers: ClinVar variation 3070667 (VCV003070667.3), dbSNP rs532351874, ClinGen allele CA35979114.